The following is an entry in ClinVar:

ClinVar aggregate classification (germline): Uncertain significance. Review status: criteria provided, multiple submitters, no conflicts (2 of 4 stars). 2 submissions from 2 submitters: Uncertain significance (2). Last evaluated 2026-03-02.

Conditions:
Osteogenesis imperfecta type I (OI1). Also called: OI, TYPE I; OSTEOGENESIS IMPERFECTA TARDA; OSTEOGENESIS IMPERFECTA WITH BLUE SCLERAE; Osteogenesis imperfecta type 1; Lobstein's Disease; Lobstein disease. Identifiers: Orphanet 216796, Orphanet 666, MedGen C0023931, MONDO:0008146, OMIM 166200. Disease mechanism: loss of function.
Cardiovascular phenotype. Identifiers: MedGen CN230736.

gnomAD v4.1: 1 of 1,613,402 alleles (0.000062%); highest among the groups gnomAD compares: Admixed American, 0.0017%; no homozygotes.

Submissions (2):

Ambry Genetics
Classification: Uncertain significance for Cardiovascular phenotype. Last evaluated: 2026-03-02. Review status: criteria provided, single submitter. Criteria: Ambry Variant Classification Scheme 2023. Collection method: clinical testing. Allele origin: germline.

Labcorp Genetics (formerly Invitae), Labcorp
Classification: Uncertain significance for Osteogenesis imperfecta type I. Last evaluated: 2025-10-24. Review status: criteria provided, single submitter. Criteria: Invitae Variant Classification Sherloc (09022015). Collection method: clinical testing. Allele origin: germline.
Comment: This sequence change replaces arginine, which is basic and polar, with leucine, which is neutral and non-polar, at codon 1252 of the COL1A1 protein (p.Arg1252Leu). This variant is not present in population databases (gnomAD no frequency). This variant has not been reported in the literature in individuals affected with COL1A1-related conditions. ClinVar contains an entry for this variant (Variation ID: 2166021). Invitae Evidence Modeling of protein sequence and biophysical properties (such as structural, functional, and spatial information, amino acid conservation, physicochemical variation, residue mobility, and thermodynamic stability) indicates that this missense variant is not expected to disrupt COL1A1 protein function with a negative predictive value of 95%. In summary, the available evidence is currently insufficient to determine the role of this variant in disease. Therefore, it has been classified as a Variant of Uncertain Significance.

NM_000088.4(COL1A1):c.3755G>T (p.Arg1252Leu)

Gene: COL1A1 (collagen type I alpha 1 chain; minus strand). Cytogenetic location: 17q21.33.
Variant type: single nucleotide variant.
Coding change: c.3755G>T on transcript NM_000088.4 (MANE Select); coding-DNA position 3755, G replaced by T.
Protein change: p.Arg1252Leu; replaces arginine 1252 with leucine.
Molecular consequence: missense variant.
Genome position (GRCh38, 1-based): chr17:50,186,699, C>A on the plus strand (G>T on the coding strand, the complement: COL1A1 is on the minus strand). VCF-style: chr17-50186699-C-A. GRCh37 (hg19) VCF-style: chr17-48264060-C-A.
Other names: short protein forms R1252L.
Identifiers: ClinVar variation 2166021 (VCV002166021.5), dbSNP rs371904584, ClinGen allele CA400196429.